The following is an entry in ClinVar:

ClinVar aggregate classification (germline): Conflicting classifications of pathogenicity. Review status: criteria provided, conflicting classifications (1 of 4 stars). 3 submissions from 3 submitters: Uncertain significance (1); Likely benign (2). Last evaluated 2026-07-30.

Conditions:
Hereditary cancer-predisposing syndrome. Also called: Tumor predisposition; Hereditary neoplastic syndrome; Neoplastic Syndromes, Hereditary; Hereditary Cancer Syndrome. Identifiers: Orphanet 140162, MedGen C0027672, MeSH D009386, MONDO:0015356.
Tuberous sclerosis 1 (TSC1). Identifiers: Orphanet 805, MedGen C1854465, MONDO:0008612, OMIM 191100.

Allele frequency attached by ClinVar (database versions not stated): gnomAD exomes below 0.00001.
gnomAD v4.1: 1 of 1,614,126 alleles (0.000062%); highest among the groups gnomAD compares: Non-Finnish European, 0.000085%; no homozygotes.

Submissions (3):

Ambry Genetics
Classification: Likely benign for Hereditary cancer-predisposing syndrome. Last evaluated: 2026-07-30. Review status: criteria provided, single submitter. Criteria: Ambry Variant Classification Scheme 2023. Collection method: clinical testing. Allele origin: germline.

Laboratory of Genetics, Children's Clinical University Hospital Latvia
Classification: Likely benign. Last evaluated: 2025-02-16. Review status: criteria provided, single submitter. Criteria: ACMG Guidelines, 2015. Collection method: clinical testing. Allele origin: germline. Affected: yes.

Labcorp Genetics (formerly Invitae), Labcorp
Classification: Uncertain significance for Tuberous sclerosis 1. Last evaluated: 2020-09-05. Review status: criteria provided, single submitter. Criteria: Invitae Variant Classification Sherloc (09022015). Collection method: clinical testing. Allele origin: germline.
Comment: This sequence change replaces proline with serine at codon 1021 of the TSC1 protein (p.Pro1021Ser). The proline residue is moderately conserved and there is a moderate physicochemical difference between proline and serine. In summary, the available evidence is currently insufficient to determine the role of this variant in disease. Therefore, it has been classified as a Variant of Uncertain Significance. Algorithms developed to predict the effect of missense changes on protein structure and function output the following: SIFT: "Tolerated"; PolyPhen-2: "Benign"; Align-GVGD: "Class C0". The serine amino acid residue is found in multiple mammalian species, suggesting that this missense change does not adversely affect protein function. These predictions have not been confirmed by published functional studies and their clinical significance is uncertain. This variant has not been reported in the literature in individuals with TSC1-related conditions. This variant is not present in population databases (ExAC no frequency).

NM_000368.5(TSC1):c.3061C>T (p.Pro1021Ser)

Gene: TSC1 (TSC complex subunit 1; minus strand). Cytogenetic location: 9q34.13.
Variant type: single nucleotide variant.
Coding change: c.3061C>T on transcript NM_000368.5 (MANE Select); coding-DNA position 3061, C replaced by T.
Protein change: p.Pro1021Ser; replaces proline 1021 with serine.
Molecular consequence: missense variant.
Genome position (GRCh38, 1-based): chr9:132,896,669, G>A on the plus strand (C>T on the coding strand, the complement: TSC1 is on the minus strand). VCF-style: chr9-132896669-G-A. GRCh37 (hg19) VCF-style: chr9-135772056-G-A.
Other names: c.3058C>T, p.Pro1020Ser (NM_001162426.2); c.2908C>T, p.Pro970Ser (NM_001162427.2); c.2698C>T, p.Pro900Ser (NM_001362177.2); short protein forms P970S, P900S, P1020S, P1021S.
Identifiers: ClinVar variation 855280 (VCV000855280.13), dbSNP rs1845082934, ClinGen allele CA375367646.